The following is an entry in ClinVar:

NM_003896.4(ST3GAL5):c.8C>G (p.Thr3Arg)

Genes: ST3GAL5 (ST3 beta-galactoside alpha-2,3-sialyltransferase 5; minus strand), LOC129934236 (ATAC-STARR-seq lymphoblastoid silent region 11709; plus strand). Cytogenetic location: 2p11.2.
Variant type: single nucleotide variant.
Coding change: c.8C>G on transcript NM_003896.4 (MANE Select); coding-DNA position 8, C replaced by G.
Protein change: p.Thr3Arg; replaces threonine 3 with arginine.
Molecular consequence: missense variant. On other transcripts: 5 prime UTR variant (6).
Genome position (GRCh38, 1-based): chr2:85,888,898, G>C on the plus strand (C>G on the coding strand, the complement: ST3GAL5 is on the minus strand). VCF-style: chr2-85888898-G-C. GRCh37 (hg19) VCF-style: chr2-86116021-G-C.
Other names: c.-955C>G (NM_001354223.2); c.-617C>G (NM_001354224.2); c.-554C>G (NM_001354226.2); c.-264C>G (NM_001354227.2); c.-208C>G (NM_001354229.2); c.-994C>G (NM_001354233.2); c.8C>G, p.Thr3Arg (NM_001363847.1); short protein forms T3R.
Identifiers: ClinVar variation 1035302 (VCV001035302.10), dbSNP rs913893607, ClinGen allele CA347536204.

ClinVar aggregate classification (germline): Uncertain significance. Review status: criteria provided, multiple submitters, no conflicts (2 of 4 stars). 2 submissions from 2 submitters: Uncertain significance (2). Last evaluated 2022-08-09.

Conditions:
GM3 synthase deficiency (SPDRS). Also called: AMISH INFANTILE EPILEPSY SYNDROME; SALT AND PEPPER MENTAL RETARDATION SYNDROME; SALT AND PEPPER DEVELOPMENTAL REGRESSION SYNDROME. Identifiers: Orphanet 171714, Orphanet 370933, MedGen C1836824, MONDO:0018274, OMIM 609056.

gnomAD v4.1: 1 of 1,372,288 alleles (0.000073%); highest among the groups gnomAD compares: Non-Finnish European, 0.000095%; no homozygotes.

Submissions (2):

Labcorp Genetics (formerly Invitae), Labcorp
Classification: Uncertain significance for GM3 synthase deficiency. Last evaluated: 2022-08-09. Review status: criteria provided, single submitter. Criteria: Invitae Variant Classification Sherloc (09022015). Collection method: clinical testing. Allele origin: germline.
Comment: In summary, the available evidence is currently insufficient to determine the role of this variant in disease. Therefore, it has been classified as a Variant of Uncertain Significance. Algorithms developed to predict the effect of missense changes on protein structure and function output the following: SIFT: "Tolerated"; PolyPhen-2: "Benign"; Align-GVGD: "Class C0". The arginine amino acid residue is found in multiple mammalian species, which suggests that this missense change does not adversely affect protein function. ClinVar contains an entry for this variant (Variation ID: 1035302). This variant has not been reported in the literature in individuals affected with ST3GAL5-related conditions. This variant is not present in population databases (gnomAD no frequency). This sequence change replaces threonine, which is neutral and polar, with arginine, which is basic and polar, at codon 3 of the ST3GAL5 protein (p.Thr3Arg).

Blueprint Genetics
Classification: Uncertain significance. Last evaluated: 2018-04-06. Review status: criteria provided, single submitter. Criteria: ACMG Guidelines, 2015. Collection method: clinical testing. Allele origin: germline.